The following is an entry in ClinVar:

ClinVar aggregate classification (germline): Likely benign. Review status: criteria provided, single submitter (1 of 4 stars). 2 submissions from 2 submitters: Likely benign (1). 1 of the submissions does not count toward it. Last evaluated 2026-02-01.

Conditions:
ACTN1-related disorder. Also called: ACTN1-related condition.

Allele frequency attached by ClinVar (database versions not stated): ExAC 0.00002; TOPMed 0.00007; gnomAD 0.00009; ESP Exome Variant Server 0.00023.
gnomAD v4.1: 179 of 1,613,868 alleles (0.011%); highest among the groups gnomAD compares: Middle Eastern, 0.049%; no homozygotes.

Submissions (2):

Labcorp Genetics (formerly Invitae), Labcorp
Classification: Likely benign. Last evaluated: 2026-02-01. Review status: criteria provided, single submitter. Criteria: Invitae Variant Classification Sherloc (09022015). Collection method: clinical testing. Allele origin: germline.

PreventionGenetics, part of Exact Sciences
Classification: Likely benign for ACTN1-related condition. Last evaluated: 2019-09-04. Review status: no assertion criteria provided. Collection method: clinical testing. Allele origin: germline. Not counted in ClinVar's aggregate classification.
Comment: This variant is classified as likely benign based on ACMG/AMP sequence variant interpretation guidelines (Richards et al. 2015 PMID: 25741868, with internal and published modifications).

NM_001130004.2(ACTN1):c.579C>T (p.Tyr193=)

Gene: ACTN1 (actinin alpha 1; minus strand). Cytogenetic location: 14q24.1.
Variant type: single nucleotide variant.
Coding change: c.579C>T on transcript NM_001130004.2 (MANE Select); coding-DNA position 579, C replaced by T.
Protein change: p.Tyr193=; no amino-acid change (tyrosine 193 retained).
Molecular consequence: synonymous variant.
Genome position (GRCh38, 1-based): chr14:68,909,333, G>A on the plus strand (C>T on the coding strand, the complement: ACTN1 is on the minus strand). VCF-style: chr14-68909333-G-A. GRCh37 (hg19) VCF-style: chr14-69376050-G-A.
Other names: c.579C>T, p.Tyr193= (NM_001102.4, NM_001130005.2, NM_001411035.1); c.384C>T, p.Tyr128= (NM_001411036.1).
Identifiers: ClinVar variation 2146504 (VCV002146504.6), dbSNP rs138413502, ClinGen allele CA7242653.